The following is an entry in ClinVar:

NM_138420.4(AHNAK2):c.12373_12374insGC (p.Asp4125fs)

Gene: AHNAK2 (AHNAK nucleoprotein 2; minus strand). Cytogenetic location: 14q32.33.
Variant type: Insertion.
Coding change: c.12373_12374insGC on transcript NM_138420.4 (MANE Select); coding-DNA positions 12373 to 12374, GC inserted.
Protein change: p.Asp4125fs; shifts the reading frame from aspartic acid 4125.
Molecular consequence: frameshift variant.
Genome position: GRCh38 VCF-style: chr14-104943077-T-TGC. GRCh37 (hg19) VCF-style: chr14-105409414-T-TGC.
Other names: c.12073_12074insGC, p.Asp4025fs (NM_001350929.2); short protein forms D4025fs, D4125fs.
Identifiers: ClinVar variation 2644645 (VCV002644645.24), dbSNP rs757500277, ClinGen allele CA7378370.
Genomic context (GRCh38, chr14:104,943,077, plus strand): 5'-ACCCCGAATGATGGCATCTTGAACTTGGGCATTTTGAACTTGCTGTCTTTGGCAGTCACA[T>TGC]CCTTGTCGGCCAGGGACAGGTCCCCCTCCAGCTGCACACCATCCAGCTTTGCTCTCGGGG-3'

ClinVar aggregate classification (germline): Likely benign (1 of 4 stars; one submission).

Allele frequency attached by ClinVar (database versions not stated): ExAC 0.00009; gnomAD 0.00136; gnomAD exomes 0.00168.

Submission:

CeGaT Center for Human Genetics Tuebingen
Classification: Likely benign. Last evaluated: 2026-06-01. Review status: criteria provided, single submitter. Criteria: CeGaT Center For Human Genetics Tuebingen Variant Classification Criteria Version 2. Collection method: clinical testing. Allele origin: germline. Affected: yes. Observed: 4 variant alleles.
Comment: AHNAK2: BP4